The following is an entry in ClinVar:

NM_000274.4(OAT):c.463_479del (p.Lys155fs)

Gene: OAT (ornithine aminotransferase; minus strand). Cytogenetic location: 10q26.13.
Variant type: Deletion.
Coding change: c.463_479del on transcript NM_000274.4 (MANE Select); coding-DNA positions 463 to 479, 17 bases deleted (AAGTGGGGCTATACCGT).
Protein change: p.Lys155fs; shifts the reading frame from lysine 155.
Molecular consequence: frameshift variant. On other transcripts: 5 prime UTR variant (1), intron variant (1).
Genome position (GRCh38, 1-based): chr10:124,408,583-124,408,599, ACGGTATAGCCCCACTT deleted on the plus strand (AAGTGGGGCTATACCGT on the coding strand, the reverse complement: OAT is on the minus strand); deleting any 17 consecutive bases within chr10:124,408,583-124,408,602 gives the same sequence; the c. name uses the placement nearest the transcript's 3' end. VCF-style (leftmost placement, unchanged base first): chr10-124408582-CACGGTATAGCCCCACTT-C. GRCh37 (hg19) VCF-style: chr10-126097151-CACGGTATAGCCCCACTT-C.
Other names: c.460_476del17, p.Lys155Glufs (NM_000274.3); c.49_65del, p.Lys17fs (NM_001171814.2); c.463_479del, p.Lys155fs (NM_001322965.2, NM_001322966.2, NM_001322967.2 and 3 more transcripts); c.-252_-236del (NM_001322974.2); c.200-3036_200-3020del (NM_001322971.2); short protein forms K155fs, K17fs.
Identifiers: ClinVar variation 4818081 (VCV004818081.1).

ClinVar aggregate classification (germline): Likely pathogenic (1 of 4 stars; one submission).

Conditions:
Ornithine aminotransferase deficiency (GACR). Also called: HYPERORNITHINEMIA WITH GYRATE ATROPHY OF CHOROID AND RETINA; OAT DEFICIENCY; OKT DEFICIENCY; Ornithine ketoacid aminotransferase deficiency; Gyrate atrophy; Gyrate atrophy of choroid and retina. Identifiers: Orphanet 414, MedGen C0018425, MONDO:0009796, OMIM 258870.

Submission:

Natera, Inc.
Classification: Likely pathogenic for Gyrate atrophy. Last evaluated: 2025-12-31. Review status: criteria provided, single submitter. Criteria: Natera Variant Classification Schema (03/2026). Collection method: clinical testing. Allele origin: germline.
Comment: The c.463_479del variant in OAT is a frameshift variant predicted to shift the reading frame beginning at codon 155 and leads to a stop codon 20 codons downstream. This variant is expected to result in nonsense mediated decay, truncation, or a dysfunctional protein product. This variant is rare in the general population with a frequency below the threshold expected for the associated phenotype(s). Given the available evidence, this variant is classified as Likely Pathogenic.